The following is an entry in ClinVar:

ClinVar aggregate classification (germline): Uncertain significance (1 of 4 stars; one submission).

Conditions:
Primary dilated cardiomyopathy (DCM). Also called: Dilated Cardiomyopathy. Identifiers: Orphanet 217604, MedGen C0007193, MeSH D002311, MONDO:0005021, HP:0001644. Inheritance: Various modes of inheritance.

gnomAD v4.1: 8 of 1,552,008 alleles (0.00052%); highest among the groups gnomAD compares: Non-Finnish European, 0.0007%; no homozygotes.

Submission:

Labcorp Genetics (formerly Invitae), Labcorp
Classification: Uncertain significance for Primary dilated cardiomyopathy. Last evaluated: 2026-01-05. Review status: criteria provided, single submitter. Criteria: Invitae Variant Classification Sherloc (09022015). Collection method: clinical testing. Allele origin: germline.
Comment: This sequence change falls in intron 10 of the TXNRD2 gene. It does not directly change the encoded amino acid sequence of the TXNRD2 protein. It affects a nucleotide within the consensus splice site. This variant is present in population databases (no rsID available, gnomAD 0.001%). This variant has not been reported in the literature in individuals affected with TXNRD2-related conditions. Variants that disrupt the consensus splice site are a relatively common cause of aberrant splicing (PMID: 17576681, 9536098). Algorithms developed to predict the effect of sequence changes on RNA splicing suggest that this variant is not likely to affect RNA splicing. In summary, the available evidence is currently insufficient to determine the role of this variant in disease. Therefore, it has been classified as a Variant of Uncertain Significance.

Literature cited by the submitters: PubMed 17576681; PubMed 9536098.

NM_006440.5(TXNRD2):c.774+6G>A

Gene: TXNRD2 (thioredoxin reductase 2; minus strand). Cytogenetic location: 22q11.21.
Variant type: single nucleotide variant.
Coding change: c.774+6G>A on transcript NM_006440.5 (MANE Select); 6 bases into the intron after coding-DNA position 774, G replaced by A.
Molecular consequence: intron variant.
Genome position (GRCh38, 1-based): chr22:19,898,033, C>T on the plus strand (G>A on the coding strand, the complement: TXNRD2 is on the minus strand). VCF-style: chr22-19898033-C-T. GRCh37 (hg19) VCF-style: chr22-19885556-C-T.
Other names: c.771+6G>A (NM_001352300.2); c.486+6G>A (NM_001352302.2); c.684+6G>A (NM_001352301.2); c.774+6G>A (NM_001282512.3); c.678+6G>A (NM_001352303.2).
Identifiers: ClinVar variation 4780284 (VCV004780284.1).